The following is an entry in ClinVar:

NM_002617.4(PEX10):c.437G>C (p.Arg146Pro)

Gene: PEX10 (peroxisomal biogenesis factor 10; minus strand). Cytogenetic location: 1p36.32.
Variant type: single nucleotide variant.
Coding change: c.437G>C on transcript NM_002617.4 (MANE Select); coding-DNA position 437, G replaced by C.
Protein change: p.Arg146Pro; replaces arginine 146 with proline.
Molecular consequence: missense variant. On other transcripts: non-coding transcript variant (1).
Genome position (GRCh38, 1-based): chr1:2,408,615, C>G on the plus strand (G>C on the coding strand, the complement: PEX10 is on the minus strand). VCF-style: chr1-2408615-C-G. GRCh37 (hg19) VCF-style: chr1-2340054-C-G.
Other names: c.437G>C, p.Arg146Pro (NM_001374425.1, NM_153818.2); c.5G>C, p.Arg2Pro (NM_001374426.1, NM_001374427.1); short protein forms R146P, R2P.
Identifiers: ClinVar variation 3061715 (VCV003061715.2), dbSNP rs1471507257, ClinGen allele CA337987815.

ClinVar aggregate classification (germline): Uncertain significance (0 of 4 stars; one submission).

Conditions:
PEX10-related disorder. Also called: PEX10-related condition.

Submission:

PreventionGenetics, part of Exact Sciences
Classification: Uncertain significance for PEX10-related condition. Last evaluated: 2024-02-16. Review status: no assertion criteria provided. Collection method: clinical testing. Allele origin: germline.
Comment: The PEX10 c.437G>C variant is predicted to result in the amino acid substitution p.Arg146Pro. To our knowledge, this variant has not been reported in the literature or in a large population database, indicating this variant is rare. At this time, the clinical significance of this variant is uncertain due to the absence of conclusive functional and genetic evidence.